The following is an entry in ClinVar:

NM_002232.5(KCNA3):c.1391G>C (p.Cys464Ser)

Gene: KCNA3 (potassium voltage-gated channel subfamily A member 3; minus strand). Cytogenetic location: 1p13.3.
Variant type: single nucleotide variant.
Coding change: c.1391G>C on transcript NM_002232.5 (MANE Select); coding-DNA position 1391, G replaced by C.
Protein change: p.Cys464Ser; replaces cysteine 464 with serine.
Molecular consequence: missense variant. On other transcripts: non-coding transcript variant (1).
Genome position (GRCh38, 1-based): chr1:110,673,419, C>G on the plus strand (G>C on the coding strand, the complement: KCNA3 is on the minus strand). VCF-style: chr1-110673419-C-G. GRCh37 (hg19) VCF-style: chr1-111216041-C-G.
Other names: short protein forms C464S.
Identifiers: ClinVar variation 4291931 (VCV004291931.1).

ClinVar aggregate classification (germline): Uncertain significance (1 of 4 stars; one submission).

Conditions:
KCNA3-related developmental delays and epileptic encephalopathies.

Submission:

3billion
Classification: Uncertain significance for KCNA3-related developmental delays and epileptic encephalopathies. Last evaluated: 2025-02-03. Review status: criteria provided, single submitter. Criteria: ACMG Guidelines, 2015. Collection method: clinical testing. Allele origin: germline. Affected: yes.
Comment: The variant is not observed in the gnomAD v4.1.0 dataset. Predicted Consequence/Location: Missense variant. In silico tool predictions suggest damaging effect of the variant on gene or gene product [REVEL: 0.82 (>=0.6, sensitivity 0.68 and specificity 0.92); 3Cnet: 0.99 (>=0.6, sensitivity 0.72 and precision 0.9)]. Therefore, this variant is classified as VUS according to the recommendation of ACMG/AMP guideline.